The following is an entry in ClinVar:

NM_138694.4(PKHD1):c.668-3C>T

Gene: PKHD1 (PKHD1 ciliary IPT domain containing fibrocystin/polyductin; minus strand). Cytogenetic location: 6p12.2.
Variant type: single nucleotide variant.
Coding change: c.668-3C>T on transcript NM_138694.4 (MANE Select); 3 bases into the intron before coding-DNA position 668, C replaced by T.
Molecular consequence: intron variant.
Genome position (GRCh38, 1-based): chr6:52,070,448, G>A on the plus strand (C>T on the coding strand, the complement: PKHD1 is on the minus strand). VCF-style: chr6-52070448-G-A. GRCh37 (hg19) VCF-style: chr6-51935246-G-A.
Other names: c.668-3C>T (NM_170724.3, NM_138694.3).
Identifiers: ClinVar variation 593559 (VCV000593559.7), dbSNP rs775002568, ClinGen allele CA3853812.
Genomic context (GRCh38, chr6:52,070,448, plus strand): 5'-CTATACCCAGTTACTTACTTTCCTTTGTTAAATACTGAGAAGCTAACATTCTGGGAGCCT[G>A]TAACACAAAGAAACACACATTAACTCAGGAATCTGCACGAGTCTTCTGGGCCAGGCCATT-3'

ClinVar aggregate classification (germline): Uncertain significance. Review status: criteria provided, multiple submitters, no conflicts (2 of 4 stars). 3 submissions from 3 submitters: Uncertain significance (2). 1 of the submissions does not count toward it. Last evaluated 2024-06-11.

Conditions:
PKHD1-related disorder. Also called: PKHD1-related condition.
Polycystic kidney disease 4 (PKD4). Also called: Autosomal Recessive Polycystic Kidney Disease – PKHD1; POLYCYSTIC KIDNEY DISEASE 4 WITH OR WITHOUT POLYCYSTIC LIVER DISEASE; POLYCYSTIC KIDNEY AND HEPATIC DISEASE 1; POLYCYSTIC KIDNEY DISEASE, INFANTILE, TYPE I; PKD3. Identifiers: MedGen C4540575, MONDO:0033004, OMIM 263200.

Allele frequency attached by ClinVar (database versions not stated): ExAC 0.00001; gnomAD 0.00002; gnomAD exomes 0.00002; TOPMed 0.00003.
gnomAD v4.1: 32 of 1,607,882 alleles (0.002%); highest among the groups gnomAD compares: Middle Eastern, 0.033%; no homozygotes.

Submissions (3):

Fulgent Genetics
Classification: Uncertain significance for Polycystic kidney disease 4. Last evaluated: 2024-06-11. Review status: criteria provided, single submitter. Criteria: ACMG Guidelines, 2015. Collection method: clinical testing. Allele origin: germline.

Eurofins Ntd Llc (ga)
Classification: Uncertain significance. Last evaluated: 2017-08-08. Review status: criteria provided, single submitter. Criteria: EGL Classification Definitions 2015. Collection method: clinical testing. Allele origin: germline. Observed: 1 variant allele, 1 heterozygote.

PreventionGenetics, part of Exact Sciences
Classification: Likely benign for PKHD1-related condition. Last evaluated: 2024-09-12. Review status: no assertion criteria provided. Collection method: clinical testing. Allele origin: germline. Not counted in ClinVar's aggregate classification.
Comment: This variant is classified as likely benign based on ACMG/AMP sequence variant interpretation guidelines (Richards et al. 2015 PMID: 25741868, with internal and published modifications).